The following is an entry in ClinVar:

NM_016383.5(LUZP4):c.469CAT[1] (p.His158del)

Gene: LUZP4 (leucine zipper protein 4; plus strand). Cytogenetic location: Xq23.
Variant type: Microsatellite.
Coding change: c.469CAT[1] on transcript NM_016383.5 (MANE Select); one copy of the 3-base unit CAT starting at c.469; the reference has two copies in a row; one copy, 3 bases deleted.
Protein change: p.His158del; deletes histidine 158.
Molecular consequence: inframe deletion.
Genome position (GRCh38, 1-based): chrX:115,306,334-115,306,336, CAT deleted; deleting any 3 consecutive bases within chrX:115,306,329-115,306,336 gives the same sequence; the position shown is the placement nearest the transcript's 3' end. VCF-style (leftmost placement, unchanged base first): chrX-115306328-AATC-A. GRCh37 (hg19) VCF-style: chrX-114540893-AATC-A.
Other names: c.223CAT[1], p.His76del (NM_001318840.2); short protein forms H158del, H76del.
Identifiers: ClinVar variation 2661249 (VCV002661249.24), dbSNP rs782660890, ClinGen allele CA10496700.

ClinVar aggregate classification (germline): Likely benign (1 of 4 stars; one submission).

Submission:

CeGaT Center for Human Genetics Tuebingen
Classification: Likely benign. Last evaluated: 2023-04-01. Review status: criteria provided, single submitter. Criteria: CeGaT Center For Human Genetics Tuebingen Variant Classification Criteria Version 2. Collection method: clinical testing. Allele origin: germline. Affected: yes. Observed: 1 variant allele.
Comment: LUZP4: BS2